The following is an entry in ClinVar:

NM_002709.3(PPP1CB):c.79G>A (p.Val27Met)

Gene: PPP1CB (protein phosphatase 1 catalytic subunit beta; plus strand). Cytogenetic location: 2p23.2.
Variant type: single nucleotide variant.
Coding change: c.79G>A on transcript NM_002709.3 (MANE Select); coding-DNA position 79, G replaced by A.
Protein change: p.Val27Met; replaces valine 27 with methionine.
Molecular consequence: missense variant.
Genome position (GRCh38, 1-based): chr2:28,776,877, G>A. VCF-style: chr2-28776877-G-A. GRCh37 (hg19) VCF-style: chr2-28999743-G-A.
Other names: c.79G>A, p.Val27Met (NM_206876.2); short protein forms V27M.
Identifiers: ClinVar variation 845288 (VCV000845288.1), dbSNP rs1667055747, ClinGen allele CA346580695.

ClinVar aggregate classification (germline): Uncertain significance (1 of 4 stars; one submission).

Submission:

Labcorp Genetics (formerly Invitae), Labcorp
Classification: Uncertain significance. Last evaluated: 2020-01-08. Review status: criteria provided, single submitter. Criteria: Invitae Variant Classification Sherloc (09022015). Collection method: clinical testing. Allele origin: germline.
Comment: This sequence change replaces valine with methionine at codon 27 of the PPP1CB protein (p.Val27Met). The valine residue is highly conserved and there is a small physicochemical difference between valine and methionine. This variant is not present in population databases (ExAC no frequency). This variant has not been reported in the literature in individuals with PPP1CB-related conditions. Algorithms developed to predict the effect of missense changes on protein structure and function are either unavailable or do not agree on the potential impact of this missense change (SIFT: "Deleterious"; PolyPhen-2: "Probably Damaging"; Align-GVGD: "Class C15"). In summary, the available evidence is currently insufficient to determine the role of this variant in disease. Therefore, it has been classified as a Variant of Uncertain Significance.